The following is an entry in ClinVar:

NM_001348716.2(KDM6B):c.4923G>A (p.Thr1641=)

Gene: KDM6B (lysine demethylase 6B; plus strand). Cytogenetic location: 17p13.1.
Variant type: single nucleotide variant.
Coding change: c.4923G>A on transcript NM_001348716.2 (MANE Select); coding-DNA position 4923, G replaced by A.
Protein change: p.Thr1641=; no amino-acid change (threonine 1641 retained).
Molecular consequence: synonymous variant.
Genome position (GRCh38, 1-based): chr17:7,853,512, G>A. VCF-style: chr17-7853512-G-A. GRCh37 (hg19) VCF-style: chr17-7756830-G-A.
Other names: c.5040G>A, p.Thr1680= (NM_001080424.2).
Identifiers: ClinVar variation 3898303 (VCV003898303.7).
Genomic context (GRCh38, chr17:7,853,512, plus strand): 5'-CCCGGCCGCGCCTTTCCCTGAGCCCCCGCCGGCTTTCTCCCCCCAGGCCCCAGCCAGCAC[G>A]TCGCGATGAGGCCGGACGCCCCGCCCGCCTGCCTGCCCGCGCAAGGCGCCGCGGGGCCAC-3'
Protein context (NP_001335645.1, residues 1631-1643): YDAFTLAPAS[Thr1641=]SR

ClinVar aggregate classification (germline): Likely benign (1 of 4 stars; one submission).

gnomAD v4.1: 483 of 1,504,660 alleles (0.032%); highest among the groups gnomAD compares: Middle Eastern, 0.14%; 3 homozygotes.

Submission:

CeGaT Center for Human Genetics Tuebingen
Classification: Likely benign. Last evaluated: 2025-04-01. Review status: criteria provided, single submitter. Criteria: CeGaT Center For Human Genetics Tuebingen Variant Classification Criteria Version 2. Collection method: clinical testing. Allele origin: germline. Affected: yes. Observed: 1 variant allele.
Comment: KDM6B: BP4, BP7, BS1